The following is an entry in ClinVar:

ClinVar aggregate classification (germline): Likely pathogenic (1 of 4 stars; one submission).

Conditions:
Glycogen storage disease, type II (IOPD). Also called: Glucosidase acid-1,4-alpha deficiency; CARDIOMEGALIA GLYCOGENICA DIFFUSA; GLYCOGENOSIS, GENERALIZED, CARDIAC FORM; GSD II; Glycogen storage disease type 2; Acid maltase deficiency disease. Identifiers: Orphanet 365, MedGen C0017921, MONDO:0009290, OMIM 232300.

Submission:

Labcorp Genetics (formerly Invitae), Labcorp
Classification: Likely pathogenic for Glycogen storage disease, type II. Last evaluated: 2021-07-25. Review status: criteria provided, single submitter. Criteria: Invitae Variant Classification Sherloc (09022015). Collection method: clinical testing. Allele origin: germline.
Comment: This variant has not been reported in the literature in individuals affected with GAA-related conditions. This variant is not present in population databases (ExAC no frequency). This sequence change affects a donor splice site in intron 6 of the GAA gene. It is expected to disrupt RNA splicing. Variants that disrupt the donor or acceptor splice site typically lead to a loss of protein function (PMID: 16199547), and loss-of-function variants in GAA are known to be pathogenic (PMID: 18425781, 22252923). Algorithms developed to predict the effect of sequence changes on RNA splicing suggest that this variant may disrupt the consensus splice site. In summary, the currently available evidence indicates that the variant is pathogenic, but additional data are needed to prove that conclusively. Therefore, this variant has been classified as Likely Pathogenic.

Literature cited by the submitters: PubMed 16199547; PubMed 18425781; PubMed 22252923.

NM_000152.5(GAA):c.1075+2T>A

Gene: GAA (alpha glucosidase; plus strand). Cytogenetic location: 17q25.3.
Variant type: single nucleotide variant.
Coding change: c.1075+2T>A on transcript NM_000152.5 (MANE Select); the canonical splice donor site of the intron after coding-DNA position 1075, T replaced by A.
Molecular consequence: splice donor variant.
Genome position (GRCh38, 1-based): chr17:80,108,411, T>A. VCF-style: chr17-80108411-T-A. GRCh37 (hg19) VCF-style: chr17-78082210-T-A.
Other names: c.1075+2T>A (NM_001406741.1, NM_001406742.1, NM_001079803.3 and 1 more transcripts).
Identifiers: ClinVar variation 1521801 (VCV001521801.6), dbSNP rs2143853890, ClinGen allele CA401364844.